The following is an entry in ClinVar:

NM_000368.5(TSC1):c.425T>C (p.Met142Thr)

Gene: TSC1 (TSC complex subunit 1; minus strand). Cytogenetic location: 9q34.13.
Variant type: single nucleotide variant.
Coding change: c.425T>C on transcript NM_000368.5 (MANE Select); coding-DNA position 425, T replaced by C.
Protein change: p.Met142Thr; replaces methionine 142 with threonine.
Molecular consequence: missense variant.
Genome position (GRCh38, 1-based): chr9:132,923,431, A>G on the plus strand (T>C on the coding strand, the complement: TSC1 is on the minus strand). VCF-style: chr9-132923431-A-G. GRCh37 (hg19) VCF-style: chr9-135798818-A-G.
Other names: c.425T>C, p.Met142Thr (NM_001162426.2); c.272T>C, p.Met91Thr (NM_001162427.2); c.62T>C, p.Met21Thr (NM_001362177.2); short protein forms M142T, M21T, M91T.
Identifiers: ClinVar variation 281571 (VCV000281571.26), dbSNP rs886042190, ClinGen allele CA10603916.

ClinVar aggregate classification (germline): Uncertain significance. Review status: criteria provided, multiple submitters, no conflicts (2 of 4 stars). 9 submissions from 9 submitters: Uncertain significance (9). Last evaluated 2026-08-25.

Conditions:
Tuberous sclerosis 1 (TSC1). Identifiers: Orphanet 805, MedGen C1854465, MONDO:0008612, OMIM 191100.
Hereditary cancer-predisposing syndrome. Also called: Hereditary Cancer Syndrome; Tumor predisposition; Hereditary neoplastic syndrome; Neoplastic Syndromes, Hereditary. Identifiers: Orphanet 140162, MedGen C0027672, MeSH D009386, MONDO:0015356.
Tuberous sclerosis syndrome (TSC). Also called: Tuberous Sclerosis Complex; Tuberous sclerosis. Identifiers: Orphanet 805, MedGen C0041341, MONDO:0001734.

Allele frequency attached by ClinVar (database versions not stated): gnomAD exomes below 0.00001.

Submissions (9):

Ambry Genetics
Classification: Uncertain significance for Hereditary cancer-predisposing syndrome. Last evaluated: 2026-08-25. Review status: criteria provided, single submitter. Criteria: Ambry Variant Classification Scheme 2023. Collection method: clinical testing. Allele origin: germline.
Comment: The p.M142T variant (also known as c.425T>C), located in coding exon 4 of the TSC1 gene, results from a T to C substitution at nucleotide position 425. The methionine at codon 142 is replaced by threonine, an amino acid with similar properties. This amino acid position is highly conserved in available vertebrate species. In addition, this alteration is predicted to be deleterious by in silico analysis. Based on the available evidence, the clinical significance of this variant remains unclear.

GeneDx
Classification: Uncertain significance. Last evaluated: 2026-02-19. Review status: criteria provided, single submitter. Criteria: GeneDx Variant Classification Process June 2021. Collection method: clinical testing. Allele origin: germline.
Comment: Not observed at significant frequency in large population cohorts (gnomAD); In silico analysis supports that this missense variant has a deleterious effect on protein structure/function; Has not been previously published as pathogenic or benign to our knowledge

Labcorp Genetics (formerly Invitae), Labcorp
Classification: Uncertain significance for Tuberous sclerosis 1. Last evaluated: 2024-05-08. Review status: criteria provided, single submitter. Criteria: Invitae Variant Classification Sherloc (09022015). Collection method: clinical testing. Allele origin: germline.
Comment: This sequence change replaces methionine, which is neutral and non-polar, with threonine, which is neutral and polar, at codon 142 of the TSC1 protein (p.Met142Thr). This variant is not present in population databases (gnomAD no frequency). This variant has not been reported in the literature in individuals affected with TSC1-related conditions. ClinVar contains an entry for this variant (Variation ID: 281571). Advanced modeling of protein sequence and biophysical properties (such as structural, functional, and spatial information, amino acid conservation, physicochemical variation, residue mobility, and thermodynamic stability) performed at Invitae indicates that this missense variant is not expected to disrupt TSC1 protein function with a negative predictive value of 95%. In summary, the available evidence is currently insufficient to determine the role of this variant in disease. Therefore, it has been classified as a Variant of Uncertain Significance.

All of Us Research Program, National Institutes of Health
Classification: Uncertain significance for Tuberous sclerosis syndrome. Last evaluated: 2023-12-13. Review status: criteria provided, single submitter. Criteria: ACMG Guidelines, 2015. Collection method: clinical testing. Allele origin: germline. Inheritance: Autosomal dominant inheritance. Observed: 1 variant allele, 1 heterozygote.
Comment: This missense variant replaces methionine with threonine at codon 142 of the TSC1 protein. Computational prediction suggests that this variant may have deleterious impact on protein structure and function (internally defined REVEL score threshold >= 0.7, PMID: 27666373). To our knowledge, functional studies have not been reported for this variant. This variant has not been reported in individuals affected with TSC1-related disorders in the literature. This variant has not been identified in the general population by the Genome Aggregation Database (gnomAD). The available evidence is insufficient to determine the role of this variant in disease conclusively. Therefore, this variant is classified as a Variant of Uncertain Significance.

This study involves interpretation of variants in research participants for the purpose of population health screening. Participant phenotype was not available at the time of variant classification. Additional details can be found in publication PMID: 35346344, PMCID: PMC8962531

Clinical Genomics Laboratory, Washington University in St. Louis
Classification: Uncertain significance for Tuberous sclerosis 1. Last evaluated: 2023-12-04. Review status: criteria provided, single submitter. Criteria: ACMG Guidelines, 2015. Collection method: clinical testing. Allele origin: germline.
Comment: The TSC1 c.425T>C (p.Met142Thr) variant was identified at a heterozygous allelic fraction, a frequency most likely consistent with a germline origin. Computational predictors indicate that the variant is damaging, evidence that correlates with impact to TSC1 function. This variant is only observed on 4/1,461,864 alleles in the general population (gnomAD v.4.0.0), indicating it is not a common variant. The TSC1 c.425T>C (p.Met142Thr) variant, to our knowledge, has not been reported in the medical literature. Due to limited information, and based on ACMG/AMP guidelines for variant interpretation (Richards S et al., PMID: 25741868), the clinical significance of this variant is uncertain at this time.

Color Diagnostics, LLC DBA Color Health
Classification: Uncertain significance for Tuberous sclerosis syndrome. Last evaluated: 2023-11-15. Review status: criteria provided, single submitter. Criteria: ACMG Guidelines, 2015. Collection method: clinical testing. Allele origin: germline.
Comment: This missense variant replaces methionine with threonine at codon 142 of the TSC1 protein. Computational prediction suggests that this variant may have deleterious impact on protein structure and function. To our knowledge, functional studies have not been reported for this variant. This variant has not been reported in individuals affected with TSC1-related disorders in the literature. This variant has not been identified in the general population by the Genome Aggregation Database (gnomAD). The available evidence is insufficient to determine the role of this variant in disease conclusively. Therefore, this variant is classified as a Variant of Uncertain Significance.

Clinical Genetics Laboratory, Skane University Hospital Lund
Classification: Uncertain significance. Last evaluated: 2022-06-29. Review status: criteria provided, single submitter. Criteria: ACMG Guidelines, 2015. Collection method: clinical testing. Allele origin: germline. Affected: yes.

Genome-Nilou Lab
Classification: Uncertain significance for Tuberous sclerosis 1. Last evaluated: 2021-11-07. Review status: criteria provided, single submitter. Criteria: ACMG Guidelines, 2015. Collection method: clinical testing. Allele origin: germline. Affected: no.

Eurofins Ntd Llc (ga)
Classification: Uncertain significance. Last evaluated: 2015-06-29. Review status: criteria provided, single submitter. Criteria: EGL Classification Definitions 2015. Collection method: clinical testing. Allele origin: germline. Observed: 1 variant allele, 1 heterozygote.